The following is an entry in ClinVar:

ClinVar aggregate classification (germline): Uncertain significance (1 of 4 stars; one submission).

gnomAD v4.1: 127 of 1,613,848 alleles (0.0079%); highest among the groups gnomAD compares: Non-Finnish European, 0.0097%; no homozygotes.

Submission:

Labcorp Genetics (formerly Invitae), Labcorp
Classification: Uncertain significance. Last evaluated: 2025-10-02. Review status: criteria provided, single submitter. Criteria: Invitae Variant Classification Sherloc (09022015). Collection method: clinical testing. Allele origin: germline.
Comment: This sequence change replaces threonine with arginine at codon 267 of the MAP3K20 protein (p.Thr267Arg). The threonine residue is moderately conserved and there is a moderate physicochemical difference between threonine and arginine. This variant is present in population databases (rs6758025, gnomAD 0.006%). This variant has not been reported in the literature in individuals affected with MAP3K20-related conditions. ClinVar contains an entry for this variant (Variation ID: 1409791). Invitae Evidence Modeling of protein sequence and biophysical properties (such as structural, functional, and spatial information, amino acid conservation, physicochemical variation, residue mobility, and thermodynamic stability) indicates that this missense variant is not expected to disrupt MAP3K20 protein function with a negative predictive value of 95%. In summary, the available evidence is currently insufficient to determine the role of this variant in disease. Therefore, it has been classified as a Variant of Uncertain Significance.

NM_016653.3(MAP3K20):c.800C>G (p.Thr267Arg)

Genes: MAP3K20 (mitogen-activated protein kinase kinase kinase 20; plus strand), MAP3K20-AS1 (MAP3K20 antisense RNA 1; minus strand). Cytogenetic location: 2q31.1.
Variant type: single nucleotide variant.
Coding change: c.800C>G on transcript NM_016653.3 (MANE Select); coding-DNA position 800, C replaced by G.
Protein change: p.Thr267Arg; replaces threonine 267 with arginine.
Molecular consequence: missense variant. On other transcripts: non-coding transcript variant (1).
Genome position (GRCh38, 1-based): chr2:173,209,784, C>G. VCF-style: chr2-173209784-C-G. GRCh37 (hg19) VCF-style: chr2-174074512-C-G.
Other names: c.800C>G, p.Thr267Arg (NM_133646.3); short protein forms T267R.
Identifiers: ClinVar variation 1409791 (VCV001409791.4), dbSNP rs6758025, ClinGen allele CA1970528.